The following is an entry in ClinVar:

NM_001486.4(GCKR):c.934A>G (p.Lys312Glu)

Gene: GCKR (glucokinase regulator; plus strand). Cytogenetic location: 2p23.3.
Variant type: single nucleotide variant.
Coding change: c.934A>G on transcript NM_001486.4 (MANE Select); coding-DNA position 934, A replaced by G.
Protein change: p.Lys312Glu; replaces lysine 312 with glutamic acid.
Molecular consequence: missense variant.
Genome position (GRCh38, 1-based): chr2:27,506,545, A>G. VCF-style: chr2-27506545-A-G. GRCh37 (hg19) VCF-style: chr2-27729412-A-G.
Other names: short protein forms K312E.
Identifiers: ClinVar variation 2965636 (VCV002965636.3), dbSNP rs556770399, ClinGen allele CA1581782.

ClinVar aggregate classification (germline): Uncertain significance (1 of 4 stars; one submission).

Allele frequency attached by ClinVar (database versions not stated): TOPMed below 0.00001; gnomAD 0.00001; gnomAD exomes 0.00007; ExAC 0.00016; 1000 Genomes Project 0.00020; 1000 Genomes Project 30x 0.00031.
gnomAD v4.1: 105 of 1,613,582 alleles (0.0065%); highest among the groups gnomAD compares: South Asian, 0.11%; 2 homozygotes.

Submission:

Labcorp Genetics (formerly Invitae), Labcorp
Classification: Uncertain significance. Last evaluated: 2023-04-26. Review status: criteria provided, single submitter. Criteria: Invitae Variant Classification Sherloc (09022015). Collection method: clinical testing. Allele origin: germline.
Comment: This variant has not been reported in the literature in individuals affected with GCKR-related conditions. In summary, the available evidence is currently insufficient to determine the role of this variant in disease. Therefore, it has been classified as a Variant of Uncertain Significance. Advanced modeling of protein sequence and biophysical properties (such as structural, functional, and spatial information, amino acid conservation, physicochemical variation, residue mobility, and thermodynamic stability) performed at Invitae indicates that this missense variant is not expected to disrupt GCKR protein function. This variant is present in population databases (rs556770399, gnomAD 0.1%), and has an allele count higher than expected for a pathogenic variant. This sequence change replaces lysine, which is basic and polar, with glutamic acid, which is acidic and polar, at codon 312 of the GCKR protein (p.Lys312Glu).